The following is an entry in ClinVar:

ClinVar aggregate classification (germline): Likely pathogenic (1 of 4 stars; one submission).

Conditions:
X-linked Alport syndrome (ATS1). Also called: COL4A5-Related Nephropathy; NEPHROPATHY AND DEAFNESS, X-LINKED. Identifiers: Orphanet 63, Orphanet 88917, MedGen C4746986, MONDO:0010520, OMIM 301050.

Submission:

MVZ Medizinische Genetik Mainz
Classification: Likely pathogenic for X-linked Alport syndrome. Last evaluated: 2023-10-19. Review status: criteria provided, single submitter. Criteria: UK Practice Guidelines For Variant Classification V4 01 2020. Collection method: clinical testing. Allele origin: germline. Inheritance: X-linked dominant inheritance. Affected: yes. Observed: 1 variant allele.
Comment: ACMG Criteria: PM1_STR,PM5,PM2_SUP,PP3

NM_033380.3(COL4A5):c.2165G>T (p.Gly722Val)

Gene: COL4A5 (collagen type IV alpha 5 chain; plus strand). Cytogenetic location: Xq22.3.
Variant type: single nucleotide variant.
Coding change: c.2165G>T on transcript NM_033380.3 (MANE Select); coding-DNA position 2165, G replaced by T.
Protein change: p.Gly722Val; replaces glycine 722 with valine.
Molecular consequence: missense variant.
Genome position (GRCh38, 1-based): chrX:108,602,982, G>T. VCF-style: chrX-108602982-G-T. GRCh37 (hg19) VCF-style: chrX-107846212-G-T.
Other names: c.2165G>T, p.Gly722Val (NM_000495.5); short protein forms G722V.
Identifiers: ClinVar variation 3236219 (VCV003236219.1), dbSNP rs104886163, ClinGen allele CA413847236.
Genomic context (GRCh38, chrX:108,602,982, plus strand): 5'-GCCTTTCCTTTGGTGGTTAAAAAATGACTTATCATTTTACAGGCTTTCCTGGAATTCCAG[G>T]ACCTCCAGGAGCACCTGGGACACCTGGAAGAATTGGTCTAGAAGGCCCTCCTGGGCCACC-3'
Protein context (NP_203699.1, residues 712-732): PGPKGFPGIP[Gly722Val]PPGAPGTPGR